The following is an entry in ClinVar:

ClinVar aggregate classification (germline): Uncertain significance (1 of 4 stars; one submission).

Conditions:
Inborn genetic diseases. Identifiers: MedGen C0950123, MeSH D030342.

Submission:

Ambry Genetics
Classification: Uncertain significance for Inborn genetic diseases. Last evaluated: 2026-04-10. Review status: criteria provided, single submitter. Criteria: Ambry Variant Classification Scheme 2023. Collection method: clinical testing. Allele origin: germline.
Comment: The p.C321Y variant (also known as c.962G>A), located in coding exon 6 of the MECOM gene, results from a G to A substitution at nucleotide position 962. The cysteine at codon 321 is replaced by tyrosine, an amino acid with highly dissimilar properties. This amino acid position is conserved. In addition, this alteration is predicted to be deleterious by in silico analysis. Based on the available evidence, the clinical significance of this variant remains unclear.

NM_004991.4(MECOM):c.962G>A (p.Cys321Tyr)

Gene: MECOM (MDS1 and EVI1 complex locus; minus strand). Cytogenetic location: 3q26.2.
Variant type: single nucleotide variant.
Coding change: c.962G>A on transcript NM_004991.4 (MANE Select); coding-DNA position 962, G replaced by A.
Protein change: p.Cys321Tyr; replaces cysteine 321 with tyrosine.
Molecular consequence: missense variant.
Genome position (GRCh38, 1-based): chr3:169,122,596, C>T on the plus strand (G>A on the coding strand, the complement: MECOM is on the minus strand). VCF-style: chr3-169122596-C-T. GRCh37 (hg19) VCF-style: chr3-168840384-C-T.
Other names: c.590G>A, p.Cys197Tyr (NM_001105077.4); c.398G>A, p.Cys133Tyr (NM_001105078.4, NM_001163999.2, NM_001164000.2 and 9 more transcripts); c.962G>A, p.Cys321Tyr (NM_001366466.2, NM_001366473.2); short protein forms C133Y, C197Y, C321Y.
Identifiers: ClinVar variation 4859731 (VCV004859731.1).